The following is an entry in ClinVar:

ClinVar aggregate classification (germline): Uncertain significance. Review status: criteria provided, multiple submitters, no conflicts (2 of 4 stars). 2 submissions from 2 submitters: Uncertain significance (2). Last evaluated 2025-08-27.

Conditions:
Inborn genetic diseases. Identifiers: MedGen C0950123, MeSH D030342.

Submissions (2):

Ambry Genetics
Classification: Uncertain significance for Inborn genetic diseases. Last evaluated: 2025-08-27. Review status: criteria provided, single submitter. Criteria: Ambry Variant Classification Scheme 2023. Collection method: clinical testing. Allele origin: germline.

Labcorp Genetics (formerly Invitae), Labcorp
Classification: Uncertain significance. Last evaluated: 2023-04-04. Review status: criteria provided, single submitter. Criteria: Invitae Variant Classification Sherloc (09022015). Collection method: clinical testing. Allele origin: germline.
Comment: In summary, the available evidence is currently insufficient to determine the role of this variant in disease. Therefore, it has been classified as a Variant of Uncertain Significance. An algorithm developed to predict the effect of missense changes on protein structure and function (PolyPhen-2) suggests that this variant is likely to be tolerated. This variant has not been reported in the literature in individuals affected with POU4F3-related conditions. This variant is not present in population databases (gnomAD no frequency). This sequence change replaces histidine, which is basic and polar, with glutamine, which is neutral and polar, at codon 13 of the POU4F3 protein (p.His13Gln).

NM_002700.3(POU4F3):c.39C>G (p.His13Gln)

Genes: POU4F3 (POU class 4 homeobox 3; plus strand), RBM27-POU4F3 (RBM27-POU4F3 readthrough; plus strand). Cytogenetic location: 5q32.
Variant type: single nucleotide variant.
Coding change: c.39C>G on transcript NM_002700.3 (MANE Select); coding-DNA position 39, C replaced by G.
Protein change: p.His13Gln; replaces histidine 13 with glutamine.
Molecular consequence: missense variant.
Genome position (GRCh38, 1-based): chr5:146,339,151, C>G. VCF-style: chr5-146339151-C-G. GRCh37 (hg19) VCF-style: chr5-145718714-C-G.
Other names: c.39C>G (NM_002700.2); c.2872C>G, p.Pro958Ala (NM_001414499.1); short protein forms P958A, H13Q.
Identifiers: ClinVar variation 2790133 (VCV002790133.4), dbSNP rs2479690436, ClinGen allele CA361619145.